The following is an entry in ClinVar:

NM_004304.5(ALK):c.71G>C (p.Gly24Ala)

Gene: ALK (ALK receptor tyrosine kinase; minus strand). Cytogenetic location: 2p23.1.
Variant type: single nucleotide variant.
Coding change: c.71G>C on transcript NM_004304.5 (MANE Select); coding-DNA position 71, G replaced by C.
Protein change: p.Gly24Ala; replaces glycine 24 with alanine.
Molecular consequence: missense variant.
Genome position (GRCh38, 1-based): chr2:29,920,589, C>G on the plus strand (G>C on the coding strand, the complement: ALK is on the minus strand). VCF-style: chr2-29920589-C-G. GRCh37 (hg19) VCF-style: chr2-30143455-C-G.
Other names: short protein forms G24A.
Identifiers: ClinVar variation 3223927 (VCV003223927.3), dbSNP rs2148443981, ClinGen allele CA346590744.
Genomic context (GRCh38, chr2:29,920,589, plus strand): 5'-AGTGGCTCCCGGGGCTGCAGCGGCGGCCCCGCAGCTGGGGAGCCCGCGCGCTGGCCGGTC[C>G]CCATCCCGGAGCCCACAGCTGCCGTGGAAAGCAGCAGCGGCAGGAGCCACAGGAGCCCGA-3'
Protein context (NP_004295.2, residues 14-34): LSTAAVGSGM[Gly24Ala]TGQRAGSPAA

ClinVar aggregate classification (germline): Uncertain significance. Review status: criteria provided, multiple submitters, no conflicts (2 of 4 stars). 2 submissions from 2 submitters: Uncertain significance (2). Last evaluated 2024-12-12.

Conditions:
Hereditary cancer-predisposing syndrome. Also called: Hereditary Cancer Syndrome; Tumor predisposition; Neoplastic Syndromes, Hereditary; Hereditary neoplastic syndrome. Identifiers: Orphanet 140162, MedGen C0027672, MeSH D009386, MONDO:0015356.
Neuroblastoma, susceptibility to, 3. Also called: ALK-Related Neuroblastic Tumor Susceptibility. Identifiers: Orphanet 635, MedGen C2751681, MONDO:0013083, OMIM 613014.

Submissions (2):

Labcorp Genetics (formerly Invitae), Labcorp
Classification: Uncertain significance for Neuroblastoma, susceptibility to, 3. Last evaluated: 2024-12-12. Review status: criteria provided, single submitter. Criteria: Invitae Variant Classification Sherloc (09022015). Collection method: clinical testing. Allele origin: germline.
Comment: This sequence change replaces glycine, which is neutral and non-polar, with alanine, which is neutral and non-polar, at codon 24 of the ALK protein (p.Gly24Ala). This variant is not present in population databases (gnomAD no frequency). This variant has not been reported in the literature in individuals affected with ALK-related conditions. ClinVar contains an entry for this variant (Variation ID: 3223927). An algorithm developed to predict the effect of missense changes on protein structure and function outputs the following: PolyPhen-2: "Benign". The alanine amino acid residue is found in multiple mammalian species, which suggests that this missense change does not adversely affect protein function. In summary, the available evidence is currently insufficient to determine the role of this variant in disease. Therefore, it has been classified as a Variant of Uncertain Significance.

Ambry Genetics
Classification: Uncertain significance for Hereditary cancer-predisposing syndrome. Last evaluated: 2024-02-29. Review status: criteria provided, single submitter. Criteria: Ambry Variant Classification Scheme 2023. Collection method: clinical testing. Allele origin: germline.
Comment: The p.G24A variant (also known as c.71G>C), located in coding exon 1 of the ALK gene, results from a G to C substitution at nucleotide position 71. The glycine at codon 24 is replaced by alanine, an amino acid with similar properties. This amino acid position is conserved. In addition, this alteration is predicted to be tolerated by in silico analysis. Based on the available evidence, the clinical significance of this alteration remains unclear.